The following is an entry in ClinVar:

NM_014244.5(ADAMTS2):c.368G>A (p.Arg123Gln)

Gene: ADAMTS2 (ADAM metallopeptidase with thrombospondin type 1 motif 2; minus strand). Cytogenetic location: 5q35.3.
Variant type: single nucleotide variant.
Coding change: c.368G>A on transcript NM_014244.5 (MANE Select); coding-DNA position 368, G replaced by A.
Protein change: p.Arg123Gln; replaces arginine 123 with glutamine.
Molecular consequence: missense variant.
Genome position (GRCh38, 1-based): chr5:179,343,933, C>T on the plus strand (G>A on the coding strand, the complement: ADAMTS2 is on the minus strand). VCF-style: chr5-179343933-C-T. GRCh37 (hg19) VCF-style: chr5-178770934-C-T.
Other names: c.368G>A, p.Arg123Gln (NM_021599.4); short protein forms R123Q.
Identifiers: ClinVar variation 2079124 (VCV002079124.2), dbSNP rs763733632, ClinGen allele CA3596339.

ClinVar aggregate classification (germline): Uncertain significance (1 of 4 stars; one submission).

Conditions:
Ehlers-Danlos syndrome, dermatosparaxis type. Also called: EDS VIIC; Dermatosparaxis; Ehlers-Danlos syndrome, type VII, autosomal recessive. Identifiers: Orphanet 1901, MedGen C2700425, MONDO:0009161, OMIM 225410.

Allele frequency attached by ClinVar (database versions not stated): ExAC 0.00001; gnomAD 0.00001; TOPMed 0.00002; gnomAD exomes 0.00003.
gnomAD v4.1: 19 of 1,609,916 alleles (0.0012%); highest among the groups gnomAD compares: East Asian, 0.036%; no homozygotes.

Submission:

Labcorp Genetics (formerly Invitae), Labcorp
Classification: Uncertain significance for Ehlers-Danlos syndrome, dermatosparaxis type. Last evaluated: 2024-01-02. Review status: criteria provided, single submitter. Criteria: Invitae Variant Classification Sherloc (09022015). Collection method: clinical testing. Allele origin: germline.
Comment: This sequence change replaces arginine, which is basic and polar, with glutamine, which is neutral and polar, at codon 123 of the ADAMTS2 protein (p.Arg123Gln). This variant is present in population databases (rs763733632, gnomAD 0.005%). This variant has not been reported in the literature in individuals affected with ADAMTS2-related conditions. ClinVar contains an entry for this variant (Variation ID: 2079124). An algorithm developed to predict the effect of missense changes on protein structure and function (PolyPhen-2) suggests that this variant is likely to be disruptive. In summary, the available evidence is currently insufficient to determine the role of this variant in disease. Therefore, it has been classified as a Variant of Uncertain Significance.